The following is an entry in ClinVar:

ClinVar aggregate classification (germline): Uncertain significance. Review status: criteria provided, multiple submitters, no conflicts (2 of 4 stars). 2 submissions from 2 submitters: Uncertain significance (2). Last evaluated 2024-07-12.

Conditions:
Hereditary cancer-predisposing syndrome. Also called: Tumor predisposition; Hereditary neoplastic syndrome; Hereditary Cancer Syndrome; Neoplastic Syndromes, Hereditary. Identifiers: Orphanet 140162, MedGen C0027672, MeSH D009386, MONDO:0015356.
Familial cancer of breast. Also called: BREAST CANCER, FAMILIAL; Hereditary breast cancer; hereditary breast carcinoma. Identifiers: Orphanet 227535, MedGen C0346153, MONDO:0016419, OMIM 114480. Disease mechanism: loss of function.

Submissions (2):

Ambry Genetics
Classification: Uncertain significance for Hereditary cancer-predisposing syndrome. Last evaluated: 2024-07-12. Review status: criteria provided, single submitter. Criteria: Ambry Variant Classification Scheme 2023. Collection method: clinical testing. Allele origin: germline.
Comment: The p.C108G variant (also known as c.322T>G), located in coding exon 3 of the BARD1 gene, results from a T to G substitution at nucleotide position 322. The cysteine at codon 108 is replaced by glycine, an amino acid with highly dissimilar properties. This amino acid position is not well conserved in available vertebrate species. In addition, this alteration is predicted to be tolerated by in silico analysis. Based on the available evidence, the clinical significance of this variant remains unclear.

Labcorp Genetics (formerly Invitae), Labcorp
Classification: Uncertain significance for Familial cancer of breast. Last evaluated: 2022-05-29. Review status: criteria provided, single submitter. Criteria: Invitae Variant Classification Sherloc (09022015). Collection method: clinical testing. Allele origin: germline.
Comment: ClinVar contains an entry for this variant (Variation ID: 961291). This sequence change replaces cysteine, which is neutral and slightly polar, with glycine, which is neutral and non-polar, at codon 108 of the BARD1 protein (p.Cys108Gly). This variant is not present in population databases (gnomAD no frequency). This variant has not been reported in the literature in individuals affected with BARD1-related conditions. Algorithms developed to predict the effect of missense changes on protein structure and function (SIFT, PolyPhen-2, Align-GVGD) all suggest that this variant is likely to be tolerated. In summary, the available evidence is currently insufficient to determine the role of this variant in disease. Therefore, it has been classified as a Variant of Uncertain Significance.

NM_000465.4(BARD1):c.322T>G (p.Cys108Gly)

Gene: BARD1 (BRCA1 associated RING domain 1; minus strand). Cytogenetic location: 2q35.
Variant type: single nucleotide variant.
Coding change: c.322T>G on transcript NM_000465.4 (MANE Select); coding-DNA position 322, T replaced by G.
Protein change: p.Cys108Gly; replaces cysteine 108 with glycine.
Molecular consequence: missense variant. On other transcripts: non-coding transcript variant (1), intron variant (2).
Genome position (GRCh38, 1-based): chr2:214,792,339, A>C on the plus strand (T>G on the coding strand, the complement: BARD1 is on the minus strand). VCF-style: chr2-214792339-A-C. GRCh37 (hg19) VCF-style: chr2-215657063-A-C.
Other names: c.265T>G, p.Cys89Gly (NM_001282543.2); c.322T>G, p.Cys108Gly (NM_001282549.2); c.158+17073T>G (NM_001282548.2); c.215+4722T>G (NM_001282545.2); c.322T>G (NM_000465.2); short protein forms C108G, C89G.
Identifiers: ClinVar variation 961291 (VCV000961291.11), dbSNP rs1060501298, ClinGen allele CA350460896.
Genomic context (GRCh38, chr2:214,792,339, plus strand): 5'-GATAGGGATAGTTCTTACCTGACAGCTCATTGTCATGTAGCAAATTTCGAAGCTTACTAC[A>C]AAGTTGAATCATGCTGTCCAGTTGTCTATTTATCTTCAAGTCTTGTATCCAGGCCGGGGT-3'
Protein context (NP_000456.2, residues 98-118): NRQLDSMIQL[Cys108Gly]SKLRNLLHDN